The following is an entry in ClinVar:

ClinVar aggregate classification (germline): Uncertain significance. Review status: criteria provided, multiple submitters, no conflicts (2 of 4 stars). 2 submissions from 2 submitters: Uncertain significance (2). Last evaluated 2026-05-23.

Conditions:
Interstitial lung disease 2 (ILD2). Also called: FIBROCYSTIC PULMONARY DYSPLASIA; FIBROSING ALVEOLITIS, CRYPTOGENIC; Familial idiopathic pulmonary fibrosis. Identifiers: Orphanet 2032, Orphanet 79126, MedGen C5561926, MONDO:0800497, OMIM 178500, MONDO:0800029.

Allele frequency attached by ClinVar (database versions not stated): ExAC 0.00002; TOPMed 0.00001; gnomAD 0.00002; gnomAD exomes 0.00002 and 0.00001.
gnomAD v4.1: 28 of 1,611,860 alleles (0.0017%); highest among the groups gnomAD compares: Non-Finnish European, 0.0022%; no homozygotes.

Submissions (2):

Ambry Genetics
Classification: Uncertain significance. Last evaluated: 2026-05-23. Review status: criteria provided, single submitter. Criteria: Ambry Variant Classification Scheme 2023. Collection method: clinical testing. Allele origin: germline.
Comment: The c.9355A>G (p.T3119A) alteration is located in exon 31 (coding exon 31) of the MUC5B gene. This alteration results from a A to G substitution at nucleotide position 9355, causing the threonine (T) at amino acid position 3119 to be replaced by an alanine (A). Based on data from gnomAD, the G allele has an overall frequency of 0.001% (4/280114) total alleles studied. The highest observed frequency was 0.003% (4/128162) of European (non-Finnish) alleles. Based on insufficient or conflicting evidence, the clinical significance of this alteration remains unclear.

Baylor Genetics
Classification: Uncertain significance for Interstitial lung disease 2. Last evaluated: 2018-02-05. Review status: criteria provided, single submitter. Criteria: ACMG Guidelines, 2015. Collection method: clinical testing. Allele origin: maternal. Affected: yes.
Comment: This variant was determined to be of uncertain significance according to ACMG Guidelines, 2015 [PMID:25741868].

NM_002458.3(MUC5B):c.9355A>G (p.Thr3119Ala)

Genes: MUC5B (mucin 5B, oligomeric mucus/gel-forming; plus strand), MUC5B-AS1 (MUC5B antisense RNA 1; minus strand). Cytogenetic location: 11p15.5.
Variant type: single nucleotide variant.
Coding change: c.9355A>G on transcript NM_002458.3 (MANE Select); coding-DNA position 9355, A replaced by G.
Protein change: p.Thr3119Ala; replaces threonine 3119 with alanine.
Molecular consequence: missense variant.
Genome position (GRCh38, 1-based): chr11:1,246,235, A>G. VCF-style: chr11-1246235-A-G. GRCh37 (hg19) VCF-style: chr11-1267465-A-G.
Other names: short protein forms T3119A.
Identifiers: ClinVar variation 1033924 (VCV001033924.2), dbSNP rs756267644, ClinGen allele CA5806957.